The following is an entry in ClinVar:

ClinVar aggregate classification (germline): Pathogenic (1 of 4 stars; one submission).

Conditions:
Melnick-Fraser syndrome (BOR). Also called: Branchiootorenal syndrome; Branchio-oto-renal syndrome; Branchiootorenal Syndrome (BORS). Identifiers: Orphanet 107, MedGen C0265234, MONDO:0007029.

Submission:

Labcorp Genetics (formerly Invitae), Labcorp
Classification: Pathogenic for Melnick-Fraser syndrome. Last evaluated: 2022-05-27. Review status: criteria provided, single submitter. Criteria: Invitae Variant Classification Sherloc (09022015). Collection method: clinical testing. Allele origin: germline.
Comment: This variant is also known as p.Tyr185X. This sequence change creates a premature translational stop signal (p.Tyr218*) in the EYA1 gene. It is expected to result in an absent or disrupted protein product. Loss-of-function variants in EYA1 are known to be pathogenic (PMID: 10464653, 18220287). This variant is not present in population databases (gnomAD no frequency). This premature translational stop signal has been observed in individual(s) with branchio-oto-renal syndrome (PMID: 19206155). For these reasons, this variant has been classified as Pathogenic.

Literature cited by the submitters: PubMed 10464653; PubMed 18220287; PubMed 19206155.

NM_000503.6(EYA1):c.654T>G (p.Tyr218Ter)

Gene: EYA1 (EYA transcriptional coactivator and phosphatase 1; minus strand). Cytogenetic location: 8q13.3.
Variant type: single nucleotide variant.
Coding change: c.654T>G on transcript NM_000503.6 (MANE Select); coding-DNA position 654, T replaced by G.
Protein change: p.Tyr218Ter; replaces tyrosine 218 with a stop codon.
Molecular consequence: nonsense.
Genome position (GRCh38, 1-based): chr8:71,299,219, A>C on the plus strand (T>G on the coding strand, the complement: EYA1 is on the minus strand). VCF-style: chr8-71299219-A-C. GRCh37 (hg19) VCF-style: chr8-72211454-A-C.
Other names: c.636T>G, p.Tyr212Ter (NM_001288574.2); c.288T>G, p.Tyr96Ter (NM_001288575.2); c.741T>G, p.Tyr247Ter (NM_001370333.1); c.654T>G, p.Tyr218Ter (NM_001370334.1, NM_001370335.1, NM_172058.4); c.723T>G, p.Tyr241Ter (NM_001370336.1); c.726T>G, p.Tyr242Ter (NM_172059.5); short protein forms Y218*, Y242*, Y212*, Y241*, Y247*, Y96*.
Identifiers: ClinVar variation 1460082 (VCV001460082.6), dbSNP rs2129000083, ClinGen allele CA371467444.